The following is an entry in ClinVar:

ClinVar aggregate classification (germline): Uncertain significance (1 of 4 stars; one submission).

Submission:

Labcorp Genetics (formerly Invitae), Labcorp
Classification: Uncertain significance. Last evaluated: 2025-08-11. Review status: criteria provided, single submitter. Criteria: Invitae Variant Classification Sherloc (09022015). Collection method: clinical testing. Allele origin: germline.
Comment: This variant, c.251_256dup, results in the insertion of 2 amino acid(s) of the NAF1 protein (p.Gln84_Pro85dup), but otherwise preserves the integrity of the reading frame. This variant is present in population databases (no rsID available, gnomAD 0.005%). This variant has not been reported in the literature in individuals affected with NAF1-related conditions. In summary, the available evidence is currently insufficient to determine the role of this variant in disease. Therefore, it has been classified as a Variant of Uncertain Significance.

NM_138386.3(NAF1):c.245AGCCAC[3] (p.Pro85_Pro86insGlnPro)

Gene: NAF1 (nuclear assembly factor 1 ribonucleoprotein; minus strand). Cytogenetic location: 4q32.2.
Variant type: Microsatellite.
Coding change: c.245AGCCAC[3] on transcript NM_138386.3 (MANE Select); three copies in a row of the 6-base unit AGCCAC starting at c.245; the reference has two copies in a row; one copy, 6 bases duplicated.
Protein change: p.Pro85_Pro86insGlnPro.
Genome position (GRCh38, 1-based): chr4:163,166,472-163,166,477, GTGGCT duplicated on the plus strand (AGCCAC on the coding strand, the reverse complement: NAF1 is on the minus strand); duplicating any 6 consecutive bases within chr4:163,166,472-163,166,484 gives the same sequence; the position shown is the placement nearest the transcript's 3' end. VCF-style (leftmost placement, unchanged base first): chr4-163166471-G-GGTGGCT. GRCh37 (hg19) VCF-style: chr4-164087623-G-GGTGGCT.
Other names: c.245AGCCAC[3], p.Pro85_Pro86insGlnPro (NM_001128931.2).
Identifiers: ClinVar variation 4778890 (VCV004778890.1).
Genomic context (GRCh38, chr4:163,166,471, plus strand): 5'-CGCGCAGGCTCTGCGGCTCCTGGGGAGGTGACGCAGTCTCCGCAGGCCGGCGATTCAGCC[G>GGTGGCT]GTGGCTGTGGCTGCGGCGCCGGGGTCCCGGCCGCGACGGCGTTCAGAACGGGCTGCAGAG-3'